The following is an entry in ClinVar:

ClinVar aggregate classification (germline): Uncertain significance (1 of 4 stars; one submission).

Conditions:
Mucopolysaccharidosis type 7 (MPS7). Also called: BETA-GLUCURONIDASE DEFICIENCY; MPS VII; GUSB DEFICIENCY; SLY SYNDROME. Identifiers: Orphanet 584, MedGen C0085132, MONDO:0009662, OMIM 253220.

gnomAD v4.1: 1 of 1,613,972 alleles (0.000062%); highest among the groups gnomAD compares: South Asian, 0.0011%; no homozygotes.

Submission:

Labcorp Genetics (formerly Invitae), Labcorp
Classification: Uncertain significance for Mucopolysaccharidosis type 7. Last evaluated: 2022-07-22. Review status: criteria provided, single submitter. Criteria: Invitae Variant Classification Sherloc (09022015). Collection method: clinical testing. Allele origin: germline.
Comment: This variant has not been reported in the literature in individuals affected with GUSB-related conditions. This variant is not present in population databases (gnomAD no frequency). This sequence change replaces tyrosine, which is neutral and polar, with phenylalanine, which is neutral and non-polar, at codon 461 of the GUSB protein (p.Tyr461Phe). Algorithms developed to predict the effect of missense changes on protein structure and function (SIFT, PolyPhen-2, Align-GVGD) all suggest that this variant is likely to be tolerated. In summary, the available evidence is currently insufficient to determine the role of this variant in disease. Therefore, it has been classified as a Variant of Uncertain Significance.

NM_000181.4(GUSB):c.1382A>T (p.Tyr461Phe)

Gene: GUSB (glucuronidase beta; minus strand). Cytogenetic location: 7q11.21.
Variant type: single nucleotide variant.
Coding change: c.1382A>T on transcript NM_000181.4 (MANE Select); coding-DNA position 1382, A replaced by T.
Protein change: p.Tyr461Phe; replaces tyrosine 461 with phenylalanine.
Molecular consequence: missense variant. On other transcripts: non-coding transcript variant (1).
Genome position (GRCh38, 1-based): chr7:65,974,304, T>A on the plus strand (A>T on the coding strand, the complement: GUSB is on the minus strand). VCF-style: chr7-65974304-T-A. GRCh37 (hg19) VCF-style: chr7-65439291-T-A.
Other names: c.944A>T, p.Tyr315Phe (NM_001284290.2); c.812A>T, p.Tyr271Phe (NM_001293104.2); c.725A>T, p.Tyr242Phe (NM_001293105.2); short protein forms Y271F, Y315F, Y461F, Y242F.
Identifiers: ClinVar variation 2116871 (VCV002116871.4), dbSNP rs2484799442, ClinGen allele CA367643128.